The following is an entry in ClinVar:

NM_006563.5(KLF1):c.343G>T (p.Ala115Ser)

Gene: KLF1 (KLF transcription factor 1; minus strand). Cytogenetic location: 19p13.13.
Variant type: single nucleotide variant.
Coding change: c.343G>T on transcript NM_006563.5 (MANE Select); coding-DNA position 343, G replaced by T.
Protein change: p.Ala115Ser; replaces alanine 115 with serine.
Molecular consequence: missense variant.
Genome position (GRCh38, 1-based): chr19:12,885,887, C>A on the plus strand (G>T on the coding strand, the complement: KLF1 is on the minus strand). VCF-style: chr19-12885887-C-A. GRCh37 (hg19) VCF-style: chr19-12996701-C-A.
Other names: short protein forms A115S.
Identifiers: ClinVar variation 4770579 (VCV004770579.1).

ClinVar aggregate classification (germline): Uncertain significance (1 of 4 stars; one submission).

gnomAD v4.1: 1 of 1,552,056 alleles (0.000064%); no homozygotes.

Submission:

Labcorp Genetics (formerly Invitae), Labcorp
Classification: Uncertain significance. Last evaluated: 2025-11-27. Review status: criteria provided, single submitter. Criteria: Invitae Variant Classification Sherloc (09022015). Collection method: clinical testing. Allele origin: germline.
Comment: This sequence change replaces alanine, which is neutral and non-polar, with serine, which is neutral and polar, at codon 115 of the KLF1 protein (p.Ala115Ser). This variant is not present in population databases (gnomAD no frequency). This variant has not been reported in the literature in individuals affected with KLF1-related conditions. Invitae Evidence Modeling of protein sequence and biophysical properties (such as structural, functional, and spatial information, amino acid conservation, physicochemical variation, residue mobility, and thermodynamic stability) indicates that this missense variant is not expected to disrupt KLF1 protein function with a negative predictive value of 80%. In summary, the available evidence is currently insufficient to determine the role of this variant in disease. Therefore, it has been classified as a Variant of Uncertain Significance.